The following is an entry in ClinVar:

NM_006206.6(PDGFRA):c.2281C>G (p.Leu761Val)

Gene: PDGFRA (platelet derived growth factor receptor alpha; plus strand). Cytogenetic location: 4q12.
Variant type: single nucleotide variant.
Coding change: c.2281C>G on transcript NM_006206.6 (MANE Select); coding-DNA position 2281, C replaced by G.
Protein change: p.Leu761Val; replaces leucine 761 with valine.
Molecular consequence: missense variant.
Genome position (GRCh38, 1-based): chr4:54,280,440, C>G. VCF-style: chr4-54280440-C-G. GRCh37 (hg19) VCF-style: chr4-55146607-C-G.
Other names: c.2281C>G, p.Leu761Val (NM_001347827.2, NM_001347829.2); c.2356C>G, p.Leu786Val (NM_001347828.2); c.2320C>G, p.Leu774Val (NM_001347830.2); short protein forms L774V, L786V, L761V.
Identifiers: ClinVar variation 2148601 (VCV002148601.5), dbSNP rs748362104, ClinGen allele CA356894470.

ClinVar aggregate classification (germline): Uncertain significance. Review status: criteria provided, multiple submitters, no conflicts (2 of 4 stars). 2 submissions from 2 submitters: Uncertain significance (2). Last evaluated 2026-06-09.

Conditions:
Gastrointestinal stromal tumor. Also called: Gastrointestinal stroma tumor; Gastrointestinal stromal tumor, somatic. Identifiers: Orphanet 44890, MedGen C0238198, MeSH D046152, MONDO:0011719, OMIM 606764, HP:0100723.
Hereditary cancer-predisposing syndrome. Also called: Hereditary Cancer Syndrome; Hereditary neoplastic syndrome; Neoplastic Syndromes, Hereditary; Tumor predisposition. Identifiers: Orphanet 140162, MedGen C0027672, MeSH D009386, MONDO:0015356.

Submissions (2):

Ambry Genetics
Classification: Uncertain significance for Hereditary cancer-predisposing syndrome. Last evaluated: 2026-06-09. Review status: criteria provided, single submitter. Criteria: Ambry Variant Classification Scheme 2023. Collection method: clinical testing. Allele origin: germline.
Comment: The p.L761V variant (also known as c.2281C>G), located in coding exon 15 of the PDGFRA gene, results from a C to G substitution at nucleotide position 2281. The leucine at codon 761 is replaced by valine, an amino acid with highly similar properties. This amino acid position is conserved. In addition, this alteration is predicted to be tolerated by in silico analysis. Based on the available evidence, the clinical significance of this variant remains unclear.

Labcorp Genetics (formerly Invitae), Labcorp
Classification: Uncertain significance for Gastrointestinal stromal tumor. Last evaluated: 2024-01-24. Review status: criteria provided, single submitter. Criteria: Invitae Variant Classification Sherloc (09022015). Collection method: clinical testing. Allele origin: germline.
Comment: This sequence change replaces leucine, which is neutral and non-polar, with valine, which is neutral and non-polar, at codon 761 of the PDGFRA protein (p.Leu761Val). This variant is not present in population databases (gnomAD no frequency). This variant has not been reported in the literature in individuals affected with PDGFRA-related conditions. ClinVar contains an entry for this variant (Variation ID: 2148601). Advanced modeling of protein sequence and biophysical properties (such as structural, functional, and spatial information, amino acid conservation, physicochemical variation, residue mobility, and thermodynamic stability) performed at Invitae indicates that this missense variant is not expected to disrupt PDGFRA protein function with a negative predictive value of 80%. In summary, the available evidence is currently insufficient to determine the role of this variant in disease. Therefore, it has been classified as a Variant of Uncertain Significance.